The following is an entry in ClinVar:

ClinVar aggregate classification (germline): Benign/Likely benign. Review status: criteria provided, multiple submitters, no conflicts (2 of 4 stars). 20 submissions from 19 submitters: Benign (6); Likely benign (9). 5 of the submissions do not count toward it. Last evaluated 2026-08-01.

Conditions:
Cardiovascular phenotype. Identifiers: MedGen CN230736.
Cardiomyopathy (CMYO). Also called: Cardiomyopathies. Identifiers: Orphanet 167848, MedGen C0878544, MONDO:0004994, HP:0001638. Inheritance: Various modes of inheritance.
Catecholaminergic polymorphic ventricular tachycardia 1. Also called: RYR2-Related Catecholaminergic Polymorphic Ventricular Tachycardia; VENTRICULAR TACHYCARDIA, STRESS-INDUCED POLYMORPHIC 1; VENTRICULAR TACHYCARDIA, CATECHOLAMINERGIC POLYMORPHIC, 1, WITH OR WITHOUT ATRIAL DYSFUNCTION AND/OR DILATED CARDIOMYOPATHY. Identifiers: Orphanet 3286, MedGen C1631597, MONDO:0011484, OMIM 604772.
Arrhythmogenic right ventricular dysplasia 2. Identifiers: MedGen C1832931.
Catecholaminergic polymorphic ventricular tachycardia (CVPT). Also called: Catecholamine-induced polymorphic ventricular tachycardia. Identifiers: Orphanet 3286, MedGen C5574922, MONDO:0017990.

Allele frequency attached by ClinVar (database versions not stated): 1000 Genomes Project 0.00060; ExAC 0.00299; TOPMed 0.00219; gnomAD 0.00230 and 0.00254; 1000 Genomes Project 30x 0.00062; gnomAD exomes 0.00220 and 0.00285; ESP Exome Variant Server 0.00276.
gnomAD v4.1: 4,486 of 1,610,812 alleles (0.28%); highest among the groups gnomAD compares: Non-Finnish European, 0.34%; 12 homozygotes.

Submissions (20):

CeGaT Center for Human Genetics Tuebingen
Classification: Likely benign. Last evaluated: 2026-08-01. Review status: criteria provided, single submitter. Criteria: CeGaT Center For Human Genetics Tuebingen Variant Classification Criteria Version 2. Collection method: clinical testing. Allele origin: germline. Affected: yes. Observed: 20 variant alleles.
Comment: RYR2: BP4, BP7, BS1

Labcorp Genetics (formerly Invitae), Labcorp
Classification: Benign for Catecholaminergic polymorphic ventricular tachycardia 1. Last evaluated: 2026-02-04. Review status: criteria provided, single submitter. Criteria: Invitae Variant Classification Sherloc (09022015). Collection method: clinical testing. Allele origin: germline.

Molecular Diagnostic Laboratory for Inherited Cardiovascular Disease, Montreal Heart Institute
Classification: Likely benign. Last evaluated: 2025-04-09. Review status: criteria provided, single submitter. Criteria: ACMG Guidelines, 2015. Collection method: clinical testing. Allele origin: germline. Affected: no.

Mayo Clinic Laboratories, Mayo Clinic
Classification: Benign. Last evaluated: 2025-01-03. Review status: criteria provided, single submitter. Criteria: ACMG Guidelines, 2015. Collection method: clinical testing. Allele origin: germline. Observed: 9 variant alleles.
Comment: BS1, BS2, BP4, BP7

Blueprint Genetics
Classification: Likely benign. Last evaluated: 2024-11-26. Review status: criteria provided, single submitter. Criteria: ACMG Guidelines, 2015. Collection method: clinical testing. Allele origin: germline.

All of Us Research Program, National Institutes of Health
Classification: Likely benign for Catecholaminergic polymorphic ventricular tachycardia. Last evaluated: 2024-02-05. Review status: criteria provided, single submitter. Criteria: ACMG Guidelines, 2015. Collection method: clinical testing. Allele origin: germline. Inheritance: Autosomal dominant inheritance. Observed: 669 variant alleles, 668 heterozygotes, 1 homozygote.
Comment: This study involves interpretation of variants in research participants for the purpose of population health screening. Participant phenotype was not available at the time of variant classification. Additional details can be found in publication PMID: 35346344, PMCID: PMC8962531

Color Diagnostics, LLC DBA Color Health
Classification: Likely benign for Cardiomyopathy. Last evaluated: 2018-03-14. Review status: criteria provided, single submitter. Criteria: ACMG Guidelines, 2015. Collection method: clinical testing. Allele origin: germline.

Illumina Laboratory Services, Illumina
Classification: Benign for Catecholaminergic polymorphic ventricular tachycardia 1. Last evaluated: 2018-01-12. Review status: criteria provided, single submitter. Criteria: ICSL Variant Classification Criteria 13 December 2019. Collection method: clinical testing. Allele origin: germline.
Comment: This variant was observed in the ICSL laboratory as part of a predisposition screen in an ostensibly healthy population. It had not been previously curated by ICSL or reported in the Human Gene Mutation Database (HGMD: prior to June 1st, 2018), and was therefore a candidate for classification through an automated scoring system. Utilizing variant allele frequency, disease prevalence and penetrance estimates, and inheritance mode, an automated score was calculated to assess if this variant is too frequent to cause the disease. Based on the score and internal cut-off values, a variant classified as benign is not then subjected to further curation. The score for this variant resulted in a classification of benign for this disease.

Illumina Laboratory Services, Illumina
Classification: Likely benign for Catecholaminergic polymorphic ventricular tachycardia 1. Last evaluated: 2018-01-12. Review status: criteria provided, single submitter. Criteria: ICSL Variant Classification Criteria 13 December 2019. Collection method: clinical testing. Allele origin: germline.
Comment: This variant was observed in the ICSL laboratory as part of a predisposition screen in an ostensibly healthy population. It had not been previously curated by ICSL or reported in the Human Gene Mutation Database (HGMD: prior to June 1st, 2018), and was therefore a candidate for classification through an automated scoring system. Utilizing variant allele frequency, disease prevalence and penetrance estimates, and inheritance mode, an automated score was calculated to assess if this variant is too frequent to cause the disease. Based on the score and internal cut-off values, a variant classified as likely benign is not then subjected to further curation. The score for this variant resulted in a classification of likely benign for this disease.

Ambry Genetics
Classification: Likely benign for Cardiovascular phenotype. Last evaluated: 2017-04-28. Review status: criteria provided, single submitter. Criteria: Ambry Variant Classification Scheme 2023. Collection method: clinical testing. Allele origin: germline.

CHEO Genetics Diagnostic Laboratory, Children's Hospital of Eastern Ontario
Classification: Benign for Cardiomyopathy. Last evaluated: 2016-08-02. Review status: criteria provided, single submitter. Criteria: ACMG Guidelines, 2015. Collection method: clinical testing. Allele origin: germline. Study: Canadian Open Genetics Repository.

GeneDx
Classification: Benign. Last evaluated: 2015-03-03. Review status: criteria provided, single submitter. Criteria: GeneDx Variant Classification Process June 2021. Collection method: clinical testing. Allele origin: germline. Affected: yes.

Eurofins Ntd Llc (ga)
Classification: Likely benign. Last evaluated: 2014-04-10. Review status: criteria provided, single submitter. Criteria: EGL Classification Definitions 2015. Collection method: clinical testing. Allele origin: germline. Observed: 1 variant allele, 1 heterozygote.

Laboratory for Molecular Medicine, Mass General Brigham Personalized Medicine
Classification: Benign. Last evaluated: 2011-12-13. Review status: criteria provided, single submitter. Criteria: LMM Criteria. Collection method: clinical testing. Allele origin: germline. Observed: 8 variant alleles.
Comment: Tyr4661Tyr in Exon 97 of RYR2: This variant is not expected to have clinical sig nificance because it does not alter an amino acid residue, is not located within the splice consensus sequence and has been identified in 0.4% (27/6616) of Euro pean American chromosomes from a broad population by the NHLBI Exome Sequencing Project (dbSNP rs138498780).

Breakthrough Genomics
Classification: Likely benign. Review status: criteria provided, single submitter. Criteria: ACMG Guidelines, 2015. Collection method: not provided. Allele origin: germline. Inheritance: Autosomal dominant inheritance. Affected: yes.

Clinical Genetics DNA and cytogenetics Diagnostics Lab, Erasmus MC, Erasmus Medical Center
Classification: Likely benign. Review status: no assertion criteria provided. Collection method: clinical testing. Allele origin: germline. Affected: yes. Study: VKGL Data-share Consensus. Not counted in ClinVar's aggregate classification.

Clinical Genetics, Academic Medical Center
Classification: Benign. Review status: no assertion criteria provided. Collection method: clinical testing. Allele origin: germline. Affected: yes. Study: VKGL Data-share Consensus. Not counted in ClinVar's aggregate classification.

Diagnostic Laboratory, Department of Genetics, University Medical Center Groningen
Classification: Likely benign. Review status: no assertion criteria provided. Collection method: clinical testing. Allele origin: germline. Affected: yes. Study: VKGL Data-share Consensus. Not counted in ClinVar's aggregate classification.

Genome Diagnostics Laboratory, University Medical Center Utrecht
Classification: Likely benign. Review status: no assertion criteria provided. Collection method: clinical testing. Allele origin: germline. Affected: yes. Study: VKGL Data-share Consensus. Not counted in ClinVar's aggregate classification.

Joint Genome Diagnostic Labs from Nijmegen and Maastricht, Radboudumc and MUMC+
Classification: Benign. Review status: no assertion criteria provided. Collection method: clinical testing. Allele origin: germline. Affected: yes. Study: VKGL Data-share Consensus. Not counted in ClinVar's aggregate classification.

NM_001035.3(RYR2):c.13983C>T (p.Tyr4661=)

Gene: RYR2 (ryanodine receptor 2; plus strand). Cytogenetic location: 1q43.
Variant type: single nucleotide variant.
Coding change: c.13983C>T on transcript NM_001035.3 (MANE Select); coding-DNA position 13983, C replaced by T.
Protein change: p.Tyr4661=; no amino-acid change (tyrosine 4661 retained).
Molecular consequence: synonymous variant.
Genome position (GRCh38, 1-based): chr1:237,798,063, C>T. VCF-style: chr1-237798063-C-T. GRCh37 (hg19) VCF-style: chr1-237961363-C-T.
Other names: p.Tyr4661=.
Identifiers: ClinVar variation 43734 (VCV000043734.77), dbSNP rs138498780, ClinGen allele CA008113.